The following is an entry in ClinVar:

ClinVar aggregate classification (germline): Uncertain significance (1 of 4 stars; one submission).

gnomAD v4.1: 32 of 1,551,774 alleles (0.0021%); highest among the groups gnomAD compares: Admixed American, 0.016%; no homozygotes.

Submission:

Labcorp Genetics (formerly Invitae), Labcorp
Classification: Uncertain significance. Last evaluated: 2025-12-17. Review status: criteria provided, single submitter. Criteria: Invitae Variant Classification Sherloc (09022015). Collection method: clinical testing. Allele origin: germline.
Comment: This sequence change replaces serine, which is neutral and polar, with tyrosine, which is neutral and polar, at codon 1611 of the TET2 protein (p.Ser1611Tyr). This variant is present in population databases (rs527895107, gnomAD 0.008%). This variant has not been reported in the literature in individuals affected with TET2-related conditions. An algorithm developed to predict the effect of missense changes on protein structure and function (PolyPhen-2) suggests that this variant is likely to be disruptive. In summary, the available evidence is currently insufficient to determine the role of this variant in disease. Therefore, it has been classified as a Variant of Uncertain Significance.

NM_001127208.3(TET2):c.4832C>A (p.Ser1611Tyr)

Genes: TET2 (tet methylcytosine dioxygenase 2; plus strand), TET2-AS1 (TET2 antisense RNA 1; minus strand). Cytogenetic location: 4q24.
Variant type: single nucleotide variant.
Coding change: c.4832C>A on transcript NM_001127208.3 (MANE Select); coding-DNA position 4832, C replaced by A.
Protein change: p.Ser1611Tyr; replaces serine 1611 with tyrosine.
Molecular consequence: missense variant.
Genome position (GRCh38, 1-based): chr4:105,275,342, C>A. VCF-style: chr4-105275342-C-A. GRCh37 (hg19) VCF-style: chr4-106196499-C-A.
Other names: short protein forms S1611Y.
Identifiers: ClinVar variation 4804358 (VCV004804358.1).